The following is an entry in ClinVar:

NM_013266.4(CTNNA3):c.240T>C (p.Ala80=)

Gene: CTNNA3 (catenin alpha 3; minus strand). Cytogenetic location: 10q21.3.
Variant type: single nucleotide variant.
Coding change: c.240T>C on transcript NM_013266.4 (MANE Select); coding-DNA position 240, T replaced by C.
Protein change: p.Ala80=; no amino-acid change (alanine 80 retained).
Molecular consequence: synonymous variant.
Genome position (GRCh38, 1-based): chr10:67,606,909, A>G on the plus strand (T>C on the coding strand, the complement: CTNNA3 is on the minus strand). VCF-style: chr10-67606909-A-G. GRCh37 (hg19) VCF-style: chr10-69366667-A-G.
Other names: c.240T>C, p.Ala80= (NM_001127384.3); c.276T>C, p.Ala92= (NM_001291133.2).
Identifiers: ClinVar variation 1790874 (VCV001790874.29), dbSNP rs564981915, ClinGen allele CA5520677.

ClinVar aggregate classification (germline): Benign/Likely benign. Review status: criteria provided, multiple submitters, no conflicts (2 of 4 stars). 3 submissions from 3 submitters: Benign (1); Likely benign (2). Last evaluated 2025-10-29.

Conditions:
Arrhythmogenic right ventricular dysplasia 13. Also called: ARRHYTHMOGENIC RIGHT VENTRICULAR CARDIOMYOPATHY 13; Arrhythmogenic right ventricular dysplasia, familial, 13. Identifiers: MedGen C3810138, MONDO:0000908, OMIM 615616.

Allele frequency attached by ClinVar (database versions not stated): TOPMed 0.00001; gnomAD 0.00007; 1000 Genomes Project 30x 0.00016; gnomAD exomes 0.00016; 1000 Genomes Project 0.00020; ExAC 0.00035.
gnomAD v4.1: 243 of 1,614,154 alleles (0.015%); highest among the groups gnomAD compares: South Asian, 0.25%; 2 homozygotes.

Submissions (3):

Labcorp Genetics (formerly Invitae), Labcorp
Classification: Benign for Arrhythmogenic right ventricular dysplasia 13. Last evaluated: 2025-10-29. Review status: criteria provided, single submitter. Criteria: Invitae Variant Classification Sherloc (09022015). Collection method: clinical testing. Allele origin: germline.

CeGaT Center for Human Genetics Tuebingen
Classification: Likely benign. Last evaluated: 2023-07-01. Review status: criteria provided, single submitter. Criteria: CeGaT Center For Human Genetics Tuebingen Variant Classification Criteria Version 2. Collection method: clinical testing. Allele origin: germline. Affected: yes. Observed: 1 variant allele.
Comment: CTNNA3: BP4, BP7

Ambry Genetics
Classification: Likely benign. Last evaluated: 2020-01-09. Review status: criteria provided, single submitter. Criteria: Ambry Variant Classification Scheme 2023. Collection method: clinical testing. Allele origin: germline.